The following is an entry in ClinVar:

ClinVar aggregate classification (germline): Conflicting classifications of pathogenicity. Review status: criteria provided, conflicting classifications (1 of 4 stars). 16 submissions from 12 submitters: Uncertain significance (4); Benign (6); Likely benign (4). 2 of the submissions do not count toward it. Last evaluated 2026-01-01.

Conditions:
Hypokalemic periodic paralysis, type 2 (HOKPP2). Identifiers: Orphanet 681, MedGen C2750061, MONDO:0013234, OMIM 613345.
Inborn genetic diseases. Identifiers: MedGen C0950123, MeSH D030342.
Congenital myasthenic syndrome 16. Identifiers: Orphanet 590, MedGen C3280112, MONDO:0013620, OMIM 614198.
Paramyotonia congenita of Von Eulenburg. Also called: Paramyotonia Congenita; Eulenburg disease; Myotonia congenita intermittens; Von Eulenburg paramyotonia congenita; PARALYSIS PERIODICA PARAMYOTONICA. Identifiers: Orphanet 684, MedGen C0221055, MONDO:0008195, OMIM 168300. Disease mechanism: loss of function.
Hyperkalemic periodic paralysis. Also called: Familial hyperkalemic periodic paralysis; Gamstorp disease. Identifiers: Orphanet 682, MedGen C0238357, MONDO:0008224, OMIM 170500, HP:0007215.
Potassium-aggravated myotonia. Also called: SODIUM CHANNEL MUSCLE DISEASE; MYOTONIA CONGENITA, ACETAZOLAMIDE-RESPONSIVE; MYOTONIA CONGENITA, ATYPICAL; Myotonia congenita, atypical, acetazolamide-responsive. Identifiers: Orphanet 612, Orphanet 99734, Orphanet 99735, Orphanet 99736, MedGen C2931826, MONDO:0018959, OMIM 608390.

Allele frequency attached by ClinVar (database versions not stated): 1000 Genomes Project 30x 0.00047; gnomAD 0.00059 and 0.00056; 1000 Genomes Project 0.00020; ESP Exome Variant Server 0.00085; TOPMed 0.00053.

Submissions (16):

Labcorp Genetics (formerly Invitae), Labcorp
Classification: Likely benign for Hyperkalemic periodic paralysis. Last evaluated: 2026-01-01. Review status: criteria provided, single submitter. Criteria: Invitae Variant Classification Sherloc (09022015). Collection method: clinical testing. Allele origin: germline.

Women's Health and Genetics/Laboratory Corporation of America, LabCorp
Classification: Uncertain significance. Last evaluated: 2025-07-01. Review status: criteria provided, single submitter. Criteria: LabCorp Variant Classification Summary - May 2015. Collection method: clinical testing. Allele origin: germline.
Comment: Variant summary: SCN4A c.952T>C (p.Trp318Arg) results in a non-conservative amino acid change located in the ion transport domain (IPR005821) of the encoded protein sequence. Algorithms developed to predict the effect of missense changes on protein structure and function are either unavailable or do not agree on the potential impact of this missense change. The variant allele was found at a frequency of 0.00062 in 249302 control chromosomes. This frequency is not significantly higher than estimated for a pathogenic variant in SCN4A causing Acetazolamide-Responsive Myotonia, allowing no conclusion about variant significance. To our knowledge, no occurrence of c.952T>C in individuals affected with Acetazolamide-Responsive Myotonia and no experimental evidence demonstrating its impact on protein function have been reported. ClinVar contains an entry for this variant (Variation ID: 252477). Based on the evidence outlined above, the variant was classified as uncertain significance.

Blueprint Genetics
Classification: Likely benign. Last evaluated: 2024-11-04. Review status: criteria provided, single submitter. Criteria: ACMG Guidelines, 2015. Collection method: clinical testing. Allele origin: germline.

Mayo Clinic Laboratories, Mayo Clinic
Classification: Uncertain significance. Last evaluated: 2023-12-26. Review status: criteria provided, single submitter. Criteria: ACMG Guidelines, 2015. Collection method: clinical testing. Allele origin: germline. Observed: 2 variant alleles.
Comment: BS1

Athena Diagnostics
Classification: Benign. Last evaluated: 2023-11-10. Review status: criteria provided, single submitter. Criteria: Athena Diagnostics Criteria. Collection method: clinical testing. Allele origin: unknown.

GeneDx
Classification: Likely benign. Last evaluated: 2021-04-20. Review status: criteria provided, single submitter. Criteria: GeneDx Variant Classification Process June 2021. Collection method: clinical testing. Allele origin: germline. Affected: yes.

CeGaT Center for Human Genetics Tuebingen
Classification: Likely benign. Last evaluated: 2018-10-01. Review status: criteria provided, single submitter. Criteria: CeGaT Center For Human Genetics Tuebingen Variant Classification Criteria Version 2. Collection method: clinical testing. Allele origin: germline. Affected: yes. Observed: 2 variant alleles.

Illumina Laboratory Services, Illumina
Classification: Benign for Paramyotonia congenita of Von Eulenburg. Last evaluated: 2018-01-13. Review status: criteria provided, single submitter. Criteria: ICSL Variant Classification Criteria 13 December 2019. Collection method: clinical testing. Allele origin: germline.
Comment: This variant was observed in the ICSL laboratory as part of a predisposition screen in an ostensibly healthy population. It had not been previously curated by ICSL or reported in the Human Gene Mutation Database (HGMD: prior to June 1st, 2018), and was therefore a candidate for classification through an automated scoring system. Utilizing variant allele frequency, disease prevalence and penetrance estimates, and inheritance mode, an automated score was calculated to assess if this variant is too frequent to cause the disease. Based on the score and internal cut-off values, a variant classified as benign is not then subjected to further curation. The score for this variant resulted in a classification of benign for this disease.

Illumina Laboratory Services, Illumina
Classification: Uncertain significance for Congenital myasthenic syndrome 16. Last evaluated: 2018-01-13. Review status: criteria provided, single submitter. Criteria: ICSL Variant Classification Criteria 13 December 2019. Collection method: clinical testing. Allele origin: germline.

Illumina Laboratory Services, Illumina
Classification: Benign for Potassium-aggravated myotonia. Last evaluated: 2018-01-13. Review status: criteria provided, single submitter. Criteria: ICSL Variant Classification Criteria 13 December 2019. Collection method: clinical testing. Allele origin: germline.
Comment: the same text as in the submission from Illumina Laboratory Services, Illumina above.

Illumina Laboratory Services, Illumina
Classification: Benign for Hyperkalemic periodic paralysis. Last evaluated: 2018-01-13. Review status: criteria provided, single submitter. Criteria: ICSL Variant Classification Criteria 13 December 2019. Collection method: clinical testing. Allele origin: germline.
Comment: the same text as in the submission from Illumina Laboratory Services, Illumina above.

Illumina Laboratory Services, Illumina
Classification: Benign for Hypokalemic periodic paralysis, type 2. Last evaluated: 2018-01-13. Review status: criteria provided, single submitter. Criteria: ICSL Variant Classification Criteria 13 December 2019. Collection method: clinical testing. Allele origin: germline.
Comment: the same text as in the submission from Illumina Laboratory Services, Illumina above.

Ambry Genetics
Classification: Uncertain significance for Inborn genetic diseases. Last evaluated: 2016-04-21. Review status: criteria provided, single submitter. Criteria: Ambry exome assertion method (8-5-2015). Collection method: clinical testing. Allele origin: germline. Affected: yes. Observed: 1 variant allele.

Genomic Diagnostic Laboratory, Division of Genomic Diagnostics, Children's Hospital of Philadelphia
Classification: Benign. Last evaluated: 2015-09-18. Review status: criteria provided, single submitter. Criteria: DGD Variant Analysis Guidelines. Collection method: clinical testing. Allele origin: unknown.

Genome Diagnostics Laboratory, University Medical Center Utrecht
Classification: Likely benign. Review status: no assertion criteria provided. Collection method: clinical testing. Allele origin: germline. Affected: yes. Study: VKGL Data-share Consensus. Not counted in ClinVar's aggregate classification.

Joint Genome Diagnostic Labs from Nijmegen and Maastricht, Radboudumc and MUMC+
Classification: Likely benign. Review status: no assertion criteria provided. Collection method: clinical testing. Allele origin: germline. Affected: yes. Study: VKGL Data-share Consensus. Not counted in ClinVar's aggregate classification.

NM_000334.4(SCN4A):c.952T>C (p.Trp318Arg)

Gene: SCN4A (sodium voltage-gated channel alpha subunit 4; minus strand). Cytogenetic location: 17q23.3.
Variant type: single nucleotide variant.
Coding change: c.952T>C on transcript NM_000334.4 (MANE Select); coding-DNA position 952, T replaced by C.
Protein change: p.Trp318Arg; replaces tryptophan 318 with arginine.
Molecular consequence: missense variant.
Genome position (GRCh38, 1-based): chr17:63,968,107, A>G on the plus strand (T>C on the coding strand, the complement: SCN4A is on the minus strand). VCF-style: chr17-63968107-A-G. GRCh37 (hg19) VCF-style: chr17-62045467-A-G.
Other names: p.Trp318Arg; short protein forms W318R.
Identifiers: ClinVar variation 252477 (VCV000252477.74), dbSNP rs199676994, ClinGen allele CA8709989.